The following is an entry in ClinVar:

ClinVar aggregate classification (germline): Benign (0 of 4 stars; one submission).

Conditions:
SAGE1-related disorder. Also called: SAGE1-related condition.

Allele frequency attached by ClinVar (database versions not stated): 1000 Genomes Project 0.16159; 1000 Genomes Project 30x 0.16296; TOPMed 0.21162; gnomAD 0.21488; ESP Exome Variant Server 0.21888; ExAC 0.22300; gnomAD exomes 0.25325.

Submission:

PreventionGenetics, part of Exact Sciences
Classification: Benign for SAGE1-related condition. Last evaluated: 2019-10-23. Review status: no assertion criteria provided. Collection method: clinical testing. Allele origin: germline.
Comment: This variant is classified as benign based on ACMG/AMP sequence variant interpretation guidelines (Richards et al. 2015 PMID: 25741868, with internal and published modifications).

NM_001381902.1(SAGE1):c.285T>C (p.Asn95=)

Gene: SAGE1 (sarcoma antigen 1; plus strand). Cytogenetic location: Xq26.3.
Variant type: single nucleotide variant.
Coding change: c.285T>C on transcript NM_001381902.1 (MANE Select); coding-DNA position 285, T replaced by C.
Protein change: p.Asn95=; no amino-acid change (asparagine 95 retained).
Molecular consequence: synonymous variant.
Genome position (GRCh38, 1-based): chrX:135,904,541, T>C. VCF-style: chrX-135904541-T-C. GRCh37 (hg19) VCF-style: chrX-134986700-T-C.
Other names: c.285T>C, p.Asn95= (NM_018666.3).
Identifiers: ClinVar variation 3055557 (VCV003055557.2), dbSNP rs12014884, ClinGen allele CA10523839.